The following is an entry in ClinVar:

NM_014249.4(NR2E3):c.747+4C>T

Gene: NR2E3 (nuclear receptor subfamily 2 group E member 3; plus strand). Cytogenetic location: 15q23.
Variant type: single nucleotide variant.
Coding change: c.747+4C>T on transcript NM_014249.4 (MANE Select); 4 bases into the intron after coding-DNA position 747, C replaced by T.
Molecular consequence: intron variant.
Genome position (GRCh38, 1-based): chr15:71,812,515, C>T. VCF-style: chr15-71812515-C-T. GRCh37 (hg19) VCF-style: chr15-72104855-C-T.
Other names: c.747+4C>T (NM_016346.4).
Identifiers: ClinVar variation 3029165 (VCV003029165.2), dbSNP rs2543255176, ClinGen allele CA2629293404.
Genomic context (GRCh38, chr15:71,812,515, plus strand): 5'-GCCGTCAAGTGGGCCAAGAACCTGCCTGTGTTCTCCAGCCTGCCCTTCCGGGATCAGGTA[C>T]CTACCGGCCTGCCTGCTGGGGAGCTAGGCTGGGCTGGGGTCAGGCGGCCCACTCGAGTCA-3'

ClinVar aggregate classification (germline): Likely benign (0 of 4 stars; one submission).

Conditions:
NR2E3-related disorder. Also called: NR2E3-related condition; NR2E3-related disorders. Identifiers: MedGen CN239387.

Submission:

PreventionGenetics, part of Exact Sciences
Classification: Likely benign for NR2E3-related condition. Last evaluated: 2021-09-17. Review status: no assertion criteria provided. Collection method: clinical testing. Allele origin: germline.
Comment: This variant is classified as likely benign based on ACMG/AMP sequence variant interpretation guidelines (Richards et al. 2015 PMID: 25741868, with internal and published modifications).